The following is an entry in ClinVar:

ClinVar aggregate classification (germline): Uncertain significance (1 of 4 stars; one submission).

Conditions:
Hypertrophic cardiomyopathy. Also called: HYPERTROPHIC MYOCARDIOPATHY. Identifiers: Orphanet 217569, MedGen C0007194, MeSH D002312, MONDO:0005045, HP:0001639.

Submission:

Labcorp Genetics (formerly Invitae), Labcorp
Classification: Uncertain significance for Hypertrophic cardiomyopathy. Last evaluated: 2023-03-20. Review status: criteria provided, single submitter. Criteria: Invitae Variant Classification Sherloc (09022015). Collection method: clinical testing. Allele origin: germline.
Comment: This variant, c.579_614del, results in the deletion of 12 amino acid(s) of the MYOM1 protein (p.Lys200_Ser211del), but otherwise preserves the integrity of the reading frame. This variant is not present in population databases (gnomAD no frequency). This variant has not been reported in the literature in individuals affected with MYOM1-related conditions. Experimental studies and prediction algorithms are not available or were not evaluated, and the functional significance of this variant is currently unknown. In summary, the available evidence is currently insufficient to determine the role of this variant in disease. Therefore, it has been classified as a Variant of Uncertain Significance.

NM_003803.4(MYOM1):c.579_614del (p.194KQSTAS[1])

Gene: MYOM1 (myomesin 1; minus strand). Cytogenetic location: 18p11.31.
Variant type: Deletion.
Coding change: c.579_614del on transcript NM_003803.4 (MANE Select); coding-DNA positions 579 to 614, 36 bases deleted.
Protein change: p.194KQSTAS[1].
Molecular consequence: inframe deletion.
Genome position (GRCh38, 1-based): chr18:3,188,905-3,188,940, 36 bases deleted; deleting any 36 consecutive bases within chr18:3,188,905-3,188,945 gives the same sequence; the c. name uses the placement nearest the transcript's 3' end. GRCh37 (hg19): chr18:3,188,908-3,188,943.
Other names: c.579_614del, p.194KQSTAS[1] (NM_019856.2).
Identifiers: ClinVar variation 2847746 (VCV002847746.3), dbSNP rs2510719540, ClinGen allele CA2739268543.